The following is an entry in ClinVar:

ClinVar aggregate classification (germline): Conflicting classifications of pathogenicity. Review status: criteria provided, conflicting classifications (1 of 4 stars). 4 submissions from 4 submitters: Uncertain significance (3); Likely benign (1). Last evaluated 2026-07-28.

Conditions:
Ehlers-Danlos syndrome due to tenascin-X deficiency (EDSCLL1). Also called: EHLERS-DANLOS SYNDROME, CLASSIC-LIKE; Ehlers-Danlos syndrome, classic-like, 1; EDS DUE TO TNX DEFICIENCY; TNX DEFICIENCY; TNXB-Related Classical-Like Ehlers-Danlos Syndrome. Identifiers: Orphanet 230839, MedGen C1848029, MONDO:0011670, OMIM 606408.
Cardiovascular phenotype. Identifiers: MedGen CN230736.

Allele frequency attached by ClinVar (database versions not stated): 1000 Genomes Project 30x 0.00031; gnomAD 0.00013; ESP Exome Variant Server 0.00008; ExAC 0.00006; gnomAD exomes 0.00007; TOPMed 0.00017; 1000 Genomes Project 0.00040.
gnomAD v4.1: 305 of 1,612,910 alleles (0.019%); highest among the groups gnomAD compares: Non-Finnish European, 0.024%; no homozygotes.

Submissions (4):

GeneDx
Classification: Uncertain significance. Last evaluated: 2026-07-28. Review status: criteria provided, single submitter. Criteria: GeneDx Variant Classification Process June 2021. Collection method: clinical testing. Allele origin: germline.
Comment: Has not been previously published as pathogenic or benign to our knowledge; In silico analysis suggests that this missense variant does not alter protein structure/function

Women's Health and Genetics/Laboratory Corporation of America, LabCorp
Classification: Uncertain significance. Last evaluated: 2025-05-05. Review status: criteria provided, single submitter. Criteria: LabCorp Variant Classification Summary - May 2015. Collection method: clinical testing. Allele origin: germline.
Comment: Variant summary: TNXB c.5491G>A (p.Val1831Met) results in a conservative amino acid change in the encoded protein sequence. Algorithms developed to predict the effect of missense changes on protein structure and function all suggest that this variant is likely to be tolerated. The variant allele was found at a frequency of 7.3e-05 in 247020 control chromosomes. This frequency is not significantly higher than estimated for a pathogenic variant in TNXB causing Ehlers-Danlos syndrome due to tenascin-X deficiency (7.3e-05 vs 0.0011), allowing no conclusion about variant significance. To our knowledge, no occurrence of c.5491G>A in individuals affected with Ehlers-Danlos syndrome due to tenascin-X deficiency and no experimental evidence demonstrating its impact on protein function have been reported. ClinVar contains an entry for this variant (Variation ID: 1211482). Based on the evidence outlined above, the variant was classified as uncertain significance.

Ambry Genetics
Classification: Likely benign for Cardiovascular phenotype. Last evaluated: 2025-02-07. Review status: criteria provided, single submitter. Criteria: Ambry Variant Classification Scheme 2023. Collection method: clinical testing. Allele origin: germline.

Mayo Clinic Laboratories, Mayo Clinic
Classification: Uncertain significance. Last evaluated: 2023-03-15. Review status: criteria provided, single submitter. Criteria: ACMG Guidelines, 2015. Collection method: clinical testing. Allele origin: germline. Observed: 1 variant allele.
Comment: BP4

NM_001365276.2(TNXB):c.5491G>A (p.Val1831Met)

Gene: TNXB (tenascin XB; minus strand). Cytogenetic location: 6p21.33.
Variant type: single nucleotide variant.
Coding change: c.5491G>A on transcript NM_001365276.2 (MANE Select); coding-DNA position 5491, G replaced by A.
Protein change: p.Val1831Met; replaces valine 1831 with methionine.
Molecular consequence: missense variant.
Genome position (GRCh38, 1-based): chr6:32,069,649, C>T on the plus strand (G>A on the coding strand, the complement: TNXB is on the minus strand). VCF-style: chr6-32069649-C-T. GRCh37 (hg19) VCF-style: chr6-32037426-C-T.
Other names: p.Val1831Met; c.5491G>A, p.Val1831Met (NM_019105.8); short protein forms V1831M.
Identifiers: ClinVar variation 1211482 (VCV001211482.15), dbSNP rs188124424, ClinGen allele CA3734698.